The following is an entry in ClinVar:

ClinVar aggregate classification (germline): Uncertain significance (1 of 4 stars; one submission).

Conditions:
Leukocyte adhesion deficiency 1 (LAD1). Also called: LEUKOCYTE ADHESION DEFICIENCY, TYPE I; LAD 1; Lymphocyte function-associated antigen 1 immunodeficiency; LFA 1 immunodeficiency. Identifiers: Orphanet 2968, Orphanet 99842, MedGen C0398738, MONDO:0007293, OMIM 116920.

Allele frequency attached by ClinVar (database versions not stated): gnomAD exomes 0.00001 and 0.00005; gnomAD 0.00002 and 0.00003; ExAC 0.00004; TOPMed 0.00004; 1000 Genomes Project 30x 0.00016; 1000 Genomes Project 0.00020.
gnomAD v4.1: 19 of 1,614,074 alleles (0.0012%); highest among the groups gnomAD compares: East Asian, 0.042%; no homozygotes.

Submission:

Labcorp Genetics (formerly Invitae), Labcorp
Classification: Uncertain significance for Leukocyte adhesion deficiency 1. Last evaluated: 2022-09-01. Review status: criteria provided, single submitter. Criteria: Invitae Variant Classification Sherloc (09022015). Collection method: clinical testing. Allele origin: germline.
Comment: This sequence change replaces lysine, which is basic and polar, with arginine, which is basic and polar, at codon 27 of the ITGB2 protein (p.Lys27Arg). This variant is present in population databases (rs568718880, gnomAD 0.07%). This variant has not been reported in the literature in individuals affected with ITGB2-related conditions. ClinVar contains an entry for this variant (Variation ID: 849945). Algorithms developed to predict the effect of missense changes on protein structure and function are either unavailable or do not agree on the potential impact of this missense change (SIFT: "Tolerated"; PolyPhen-2: "Possibly Damaging"; Align-GVGD: "Class C0"). In summary, the available evidence is currently insufficient to determine the role of this variant in disease. Therefore, it has been classified as a Variant of Uncertain Significance.

NM_000211.5(ITGB2):c.80A>G (p.Lys27Arg)

Gene: ITGB2 (integrin subunit beta 2; minus strand). Cytogenetic location: 21q22.3.
Variant type: single nucleotide variant.
Coding change: c.80A>G on transcript NM_000211.5 (MANE Select); coding-DNA position 80, A replaced by G.
Protein change: p.Lys27Arg; replaces lysine 27 with arginine.
Molecular consequence: missense variant. On other transcripts: 5 prime UTR variant (1).
Genome position (GRCh38, 1-based): chr21:44,910,351, T>C on the plus strand (A>G on the coding strand, the complement: ITGB2 is on the minus strand). VCF-style: chr21-44910351-T-C. GRCh37 (hg19) VCF-style: chr21-46330266-T-C.
Other names: c.80A>G, p.Lys27Arg (NM_001127491.3); c.-128A>G (NM_001303238.2); short protein forms K27R.
Identifiers: ClinVar variation 849945 (VCV000849945.7), dbSNP rs568718880, ClinGen allele CA10063406.